The following is an entry in ClinVar:

ClinVar aggregate classification (germline): Uncertain significance (1 of 4 stars; one submission).

Conditions:
Agammaglobulinemia 7, autosomal recessive (AGM7). Also called: AGAMMAGLOBULINEMIA, AUTOSOMAL RECESSIVE, DUE TO PIK3R1 DEFECT. Identifiers: MedGen C3554689, MONDO:0014083, OMIM 615214.
SHORT syndrome. Also called: SHORT STATURE, HYPEREXTENSIBILITY, HERNIA, OCULAR DEPRESSION, RIEGER ANOMALY, AND TEETHING DELAY; LIPODYSTROPHY, PARTIAL, WITH RIEGER ANOMALY AND SHORT STATURE; PIK3R1-Related SHORT Syndrome. Identifiers: Orphanet 3163, MedGen C0878684, MONDO:0010026, OMIM 269880.
Immunodeficiency 36 with lymphoproliferation. Also called: Immunodeficiency 36; Activated PI3K Delta Syndrome Type 2 (APDS2); ACTIVATED PI3K-DELTA SYNDROME 2. Identifiers: Orphanet 397596, Orphanet 693681, MedGen C4014934, MONDO:0014453, OMIM 616005.

Submission:

Labcorp Genetics (formerly Invitae), Labcorp
Classification: Uncertain significance for SHORT syndrome; Immunodeficiency 36 with lymphoproliferation; Agammaglobulinemia 7, autosomal recessive. Last evaluated: 2025-06-27. Review status: criteria provided, single submitter. Criteria: Invitae Variant Classification Sherloc (09022015). Collection method: clinical testing. Allele origin: germline.
Comment: This sequence change replaces tyrosine, which is neutral and polar, with cysteine, which is neutral and slightly polar, at codon 12 of the PIK3R1 protein (p.Tyr12Cys). This variant is present in population databases (no rsID available, gnomAD 0.007%). This variant has not been reported in the literature in individuals affected with PIK3R1-related conditions. An algorithm developed to predict the effect of missense changes on protein structure and function (PolyPhen-2) suggests that this variant is likely to be disruptive. In summary, the available evidence is currently insufficient to determine the role of this variant in disease. Therefore, it has been classified as a Variant of Uncertain Significance.

NM_181523.3(PIK3R1):c.35A>G (p.Tyr12Cys)

Gene: PIK3R1 (phosphoinositide-3-kinase regulatory subunit 1; plus strand). Cytogenetic location: 5q13.1.
Variant type: single nucleotide variant.
Coding change: c.35A>G on transcript NM_181523.3 (MANE Select); coding-DNA position 35, A replaced by G.
Protein change: p.Tyr12Cys; replaces tyrosine 12 with cysteine.
Molecular consequence: missense variant.
Genome position (GRCh38, 1-based): chr5:68,226,710, A>G. VCF-style: chr5-68226710-A-G. GRCh37 (hg19) VCF-style: chr5-67522538-A-G.
Other names: short protein forms Y12C.
Identifiers: ClinVar variation 4783435 (VCV004783435.1).